The following is an entry in ClinVar:

NM_000041.4(APOE):c.495G>T (p.Arg165=)

Gene: APOE (apolipoprotein E; plus strand). Cytogenetic location: 19q13.32.
Variant type: single nucleotide variant.
Coding change: c.495G>T on transcript NM_000041.4 (MANE Select); coding-DNA position 495, G replaced by T.
Protein change: p.Arg165=; no amino-acid change (arginine 165 retained).
Molecular consequence: synonymous variant.
Genome position (GRCh38, 1-based): chr19:44,908,791, G>T. VCF-style: chr19-44908791-G-T. GRCh37 (hg19) VCF-style: chr19-45412048-G-T.
Other names: c.573G>T, p.Arg191= (NM_001302688.2); c.495G>T, p.Arg165= (NM_001302689.2, NM_001302690.2, NM_001302691.2).
Identifiers: ClinVar variation 3055012 (VCV003055012.2), dbSNP rs1347476726, ClinGen allele CA507947789.

ClinVar aggregate classification (germline): Likely benign (0 of 4 stars; one submission).

Conditions:
APOE-related disorder. Also called: APOE-related condition.

Allele frequency attached by ClinVar (database versions not stated): TOPMed below 0.00001; gnomAD 0.00001.
gnomAD v4.1: 4 of 1,553,850 alleles (0.00026%); highest among the groups gnomAD compares: East Asian, 0.0096%; no homozygotes.

Submission:

PreventionGenetics, part of Exact Sciences
Classification: Likely benign for APOE-related condition. Last evaluated: 2020-04-22. Review status: no assertion criteria provided. Collection method: clinical testing. Allele origin: germline.
Comment: This variant is classified as likely benign based on ACMG/AMP sequence variant interpretation guidelines (Richards et al. 2015 PMID: 25741868, with internal and published modifications).